The following is an entry in ClinVar:

NM_006231.4(POLE):c.1126G>A (p.Ala376Thr)

Gene: POLE (DNA polymerase epsilon, catalytic subunit; minus strand). Cytogenetic location: 12q24.33.
Variant type: single nucleotide variant.
Coding change: c.1126G>A on transcript NM_006231.4 (MANE Select); coding-DNA position 1126, G replaced by A.
Protein change: p.Ala376Thr; replaces alanine 376 with threonine.
Molecular consequence: missense variant.
Genome position (GRCh38, 1-based): chr12:132,675,498, C>T on the plus strand (G>A on the coding strand, the complement: POLE is on the minus strand). VCF-style: chr12-132675498-C-T. GRCh37 (hg19) VCF-style: chr12-133252084-C-T.
Other names: short protein forms A376T.
Identifiers: ClinVar variation 3422122 (VCV003422122.1).

ClinVar aggregate classification (germline): Uncertain significance (1 of 4 stars; one submission).

Conditions:
Hereditary cancer-predisposing syndrome. Also called: Neoplastic Syndromes, Hereditary; Tumor predisposition; Hereditary Cancer Syndrome; Hereditary neoplastic syndrome. Identifiers: Orphanet 140162, MedGen C0027672, MeSH D009386, MONDO:0015356.

gnomAD v4.1: 2 of 1,614,038 alleles (0.00012%); highest among the groups gnomAD compares: Admixed American, 0.0017%; no homozygotes.

Submission:

Ambry Genetics
Classification: Uncertain significance for Hereditary cancer-predisposing syndrome. Last evaluated: 2024-07-25. Review status: criteria provided, single submitter. Criteria: Ambry Variant Classification Scheme 2023. Collection method: clinical testing. Allele origin: germline.
Comment: The p.A376T variant (also known as c.1126G>A), located in coding exon 12 of the POLE gene, results from a G to A substitution at nucleotide position 1126. The alanine at codon 376 is replaced by threonine, an amino acid with similar properties. This amino acid position is conserved. In addition, the in silico prediction for this alteration is inconclusive. Based on the available evidence, the clinical significance of this variant remains unclear.